The following is an entry in ClinVar:

NM_177438.3(DICER1):c.4228A>C (p.Asn1410His)

Gene: DICER1 (dicer 1, ribonuclease III; minus strand). Cytogenetic location: 14q32.13.
Variant type: single nucleotide variant.
Coding change: c.4228A>C on transcript NM_177438.3 (MANE Select); coding-DNA position 4228, A replaced by C.
Protein change: p.Asn1410His; replaces asparagine 1410 with histidine.
Molecular consequence: missense variant. On other transcripts: non-coding transcript variant (6).
Genome position (GRCh38, 1-based): chr14:95,096,692, T>G on the plus strand (A>C on the coding strand, the complement: DICER1 is on the minus strand). VCF-style: chr14-95096692-T-G. GRCh37 (hg19) VCF-style: chr14-95563029-T-G.
Other names: c.4228A>C, p.Asn1410His (NM_001195573.1, NM_001271282.3, NM_001291628.2 and 12 more transcripts); c.3946A>C, p.Asn1316His (NM_001395686.1); c.3823A>C, p.Asn1275His (NM_001395687.1, NM_001395688.1, NM_001395689.1 and 2 more transcripts); c.3661A>C, p.Asn1221His (NM_001395691.1); c.2545A>C, p.Asn849His (NM_001395697.1); short protein forms N1221H, N1275H, N1316H, N1410H, N849H.
Identifiers: ClinVar variation 3653291 (VCV003653291.2).

ClinVar aggregate classification (germline): Uncertain significance (1 of 4 stars; one submission).

Conditions:
DICER1-related tumor predisposition. Also called: DICER1-related pleuropulmonary blastoma cancer predisposition syndrome; DICER1 syndrome. Identifiers: Orphanet 284343, MedGen C3839822, MONDO:0100216.

Submission:

Labcorp Genetics (formerly Invitae), Labcorp
Classification: Uncertain significance for DICER1-related tumor predisposition. Last evaluated: 2024-05-14. Review status: criteria provided, single submitter. Criteria: Invitae Variant Classification Sherloc (09022015). Collection method: clinical testing. Allele origin: germline.
Comment: This sequence change replaces asparagine, which is neutral and polar, with histidine, which is basic and polar, at codon 1410 of the DICER1 protein (p.Asn1410His). This variant is not present in population databases (gnomAD no frequency). This variant has not been reported in the literature in individuals affected with DICER1-related conditions. An algorithm developed to predict the effect of missense changes on protein structure and function (PolyPhen-2) suggests that this variant is likely to be disruptive. In summary, the available evidence is currently insufficient to determine the role of this variant in disease. Therefore, it has been classified as a Variant of Uncertain Significance.